The following is an entry in ClinVar:

NM_000093.5(COL5A1):c.2794C>T (p.Pro932Ser)

Gene: COL5A1 (collagen type V alpha 1 chain; plus strand). Cytogenetic location: 9q34.3.
Variant type: single nucleotide variant.
Coding change: c.2794C>T on transcript NM_000093.5 (MANE Select); coding-DNA position 2794, C replaced by T.
Protein change: p.Pro932Ser; replaces proline 932 with serine.
Molecular consequence: missense variant.
Genome position (GRCh38, 1-based): chr9:134,795,310, C>T. VCF-style: chr9-134795310-C-T. GRCh37 (hg19) VCF-style: chr9-137687156-C-T.
Other names: c.2794C>T, p.Pro932Ser (NM_001278074.1); short protein forms P932S.
Identifiers: ClinVar variation 3901380 (VCV003901380.3).

ClinVar aggregate classification (germline): Conflicting classifications of pathogenicity. Review status: criteria provided, conflicting classifications (1 of 4 stars). 3 submissions from 3 submitters: Uncertain significance (2); Benign (1). Last evaluated 2025-12-13.

Conditions:
Familial thoracic aortic aneurysm and aortic dissection (TAAD). Also called: Thoracic aortic aneurysms and dissections. Identifiers: Orphanet 91387, MedGen C4707243, MONDO:0019625.
Ehlers-Danlos syndrome, classic type, 1 (EDSCL1). Also called: EHLERS-DANLOS SYNDROME, GRAVIS TYPE; EHLERS-DANLOS SYNDROME, SEVERE CLASSIC TYPE; Ehlers-Danlos syndrome, type 1; Ehlers-Danlos Syndrome, Classic Type, COL5A1-Related; EDS I. Identifiers: MedGen C0268335, MONDO:0019567, OMIM 130000.

gnomAD v4.1: 8 of 1,613,414 alleles (0.0005%); highest among the groups gnomAD compares: Admixed American, 0.0017%; no homozygotes.

Submissions (3):

Labcorp Genetics (formerly Invitae), Labcorp
Classification: Benign for Ehlers-Danlos syndrome, classic type, 1. Last evaluated: 2025-12-13. Review status: criteria provided, single submitter. Criteria: Invitae Variant Classification Sherloc (09022015). Collection method: clinical testing. Allele origin: germline.

Ambry Genetics
Classification: Uncertain significance for Familial thoracic aortic aneurysm and aortic dissection. Last evaluated: 2025-07-25. Review status: criteria provided, single submitter. Criteria: Ambry Variant Classification Scheme 2023. Collection method: clinical testing. Allele origin: germline.
Comment: The p.P932S variant (also known as c.2794C>T), located in coding exon 34 of the COL5A1 gene, results from a C to T substitution at nucleotide position 2794. The proline at codon 932 is replaced by serine, an amino acid with similar properties. This amino acid position is highly conserved in available vertebrate species. In addition, the in silico prediction for this alteration is inconclusive. Based on the available evidence, the clinical significance of this variant remains unclear.

GeneDx
Classification: Uncertain significance. Last evaluated: 2024-12-05. Review status: criteria provided, single submitter. Criteria: GeneDx Variant Classification Process June 2021. Collection method: clinical testing. Allele origin: germline. Affected: yes.
Comment: Not observed at significant frequency in large population cohorts (gnomAD); In silico analysis supports that this missense variant has a deleterious effect on protein structure/function; Has not been previously published as pathogenic or benign to our knowledge; Occurs in the triple helical domain at the X position in the canonical Gly-X-Y repeat; although this variant may have an effect on normal protein folding and function, missense substitution at the X position is not a common mechanism of disease (PMID: 22696272; HGMD); This variant is associated with the following publications: (PMID: 22696272)